The following is an entry in ClinVar:

NM_000179.3(MSH6):c.1286T>G (p.Val429Gly)

Gene: MSH6 (mutS homolog 6; plus strand). Cytogenetic location: 2p16.3.
Variant type: single nucleotide variant.
Coding change: c.1286T>G on transcript NM_000179.3 (MANE Select); coding-DNA position 1286, T replaced by G.
Protein change: p.Val429Gly; replaces valine 429 with glycine.
Molecular consequence: missense variant.
Genome position (GRCh38, 1-based): chr2:47,799,269, T>G. VCF-style: chr2-47799269-T-G. GRCh37 (hg19) VCF-style: chr2-48026408-T-G.
Other names: c.896T>G, p.Val299Gly (NM_001281492.2); c.380T>G, p.Val127Gly (NM_001281493.2, NM_001281494.2); short protein forms V127G, V299G, V429G.
Identifiers: ClinVar variation 1437708 (VCV001437708.8), dbSNP rs2104333565, ClinGen allele CA346744157.

ClinVar aggregate classification (germline): Uncertain significance (1 of 4 stars; one submission).

Conditions:
Hereditary nonpolyposis colorectal neoplasms. Identifiers: MedGen C0009405, MeSH D003123.

Submission:

Labcorp Genetics (formerly Invitae), Labcorp
Classification: Uncertain significance for Hereditary nonpolyposis colorectal neoplasms. Last evaluated: 2024-04-08. Review status: criteria provided, single submitter. Criteria: Invitae Variant Classification Sherloc (09022015). Collection method: clinical testing. Allele origin: germline.
Comment: This sequence change replaces valine, which is neutral and non-polar, with glycine, which is neutral and non-polar, at codon 429 of the MSH6 protein (p.Val429Gly). This variant is not present in population databases (gnomAD no frequency). This variant has not been reported in the literature in individuals affected with MSH6-related conditions. ClinVar contains an entry for this variant (Variation ID: 1437708). Advanced modeling of protein sequence and biophysical properties (such as structural, functional, and spatial information, amino acid conservation, physicochemical variation, residue mobility, and thermodynamic stability) has been performed at Invitae for this missense variant, however the output from this modeling did not meet the statistical confidence thresholds required to predict the impact of this variant on MSH6 protein function. In summary, the available evidence is currently insufficient to determine the role of this variant in disease. Therefore, it has been classified as a Variant of Uncertain Significance.